The following is an entry in ClinVar:

NM_007375.4(TARDBP):c.452G>A (p.Arg151His)

Gene: TARDBP (TAR DNA binding protein; plus strand). Cytogenetic location: 1p36.22.
Variant type: single nucleotide variant.
Coding change: c.452G>A on transcript NM_007375.4 (MANE Select); coding-DNA position 452, G replaced by A.
Protein change: p.Arg151His; replaces arginine 151 with histidine.
Molecular consequence: missense variant.
Genome position (GRCh38, 1-based): chr1:11,018,782, G>A. VCF-style: chr1-11018782-G-A. GRCh37 (hg19) VCF-style: chr1-11078839-G-A.
Other names: short protein forms R151H.
Identifiers: ClinVar variation 4865310 (VCV004865310.1).

ClinVar aggregate classification (germline): Uncertain significance (1 of 4 stars; one submission).

Conditions:
Inborn genetic diseases. Identifiers: MedGen C0950123, MeSH D030342.

gnomAD v4.1: 2 of 1,614,034 alleles (0.00012%); highest among the groups gnomAD compares: Non-Finnish European, 0.00017%; no homozygotes.

Submission:

Ambry Genetics
Classification: Uncertain significance for Inborn genetic diseases. Last evaluated: 2026-05-14. Review status: criteria provided, single submitter. Criteria: Ambry Variant Classification Scheme 2023. Collection method: clinical testing. Allele origin: germline.
Comment: The c.452G>A (p.R151H) alteration is located in exon 4 (coding exon 3) of the TARDBP gene. This alteration results from a G to A substitution at nucleotide position 452, causing the arginine (R) at amino acid position 151 to be replaced by a histidine (H). Based on data from gnomAD, the A allele has an overall frequency of <0.001% (1/251434) total alleles studied. The highest observed frequency was 0.001% (1/113722) of European (non-Finnish) alleles. Based on insufficient or conflicting evidence, the clinical significance of this alteration remains unclear.